The following is an entry in ClinVar:

GRCh38/hg38 13q21.1(chr13:55241062-55781320)x1

Genes: LOC124900150 (Sharpr-MPRA regulatory region 1645; plus strand), LOC124900151 (Sharpr-MPRA regulatory region 559; plus strand). Cytogenetic location: 13q21.1.
Variant type: copy number loss.
Change: copy number 1 (one copy instead of two) of chr13:55,241,062-55,781,320 (540.3 kb, GRCh38 coordinates, 1-based), cytogenetic band 13q21.1.
Identifiers: ClinVar variation 146410 (VCV000146410.2).

ClinVar aggregate classification (germline): Likely benign (0 of 4 stars; one submission).

Submission:

ISCA site 1
Classification: Likely benign. Last evaluated: 2011-05-06. Review status: no assertion criteria provided. Collection method: clinical testing. Allele origin: maternal. Affected: yes. Observed: 1 variant allele.
Comment: Copy number variation identified through the course of routine clinical cytogenomic testing in postnatal populations. Clinical assertions have been curated as described in Kaminsky et al. 2011.

Copy number variation identified through the course of routine clinical cytogenomic testing in postnatal populations. Clinical assertions have been curated as described in Kaminsky, et al. 2011 (PubMed 21844811). For additional ClinGen data, please see nstd37.